The following is an entry in ClinVar:

NM_002085.5(GPX4):c.*44T>C

Gene: GPX4 (glutathione peroxidase 4; plus strand). Cytogenetic location: 19p13.3.
Variant type: single nucleotide variant.
Coding change: c.*44T>C on transcript NM_002085.5 (MANE Select); 44 bases downstream of the stop codon, T replaced by C.
Molecular consequence: 3 prime UTR variant. On other transcripts: synonymous variant (1).
Genome position (GRCh38, 1-based): chr19:1,106,616, T>C. VCF-style: chr19-1106616-T-C. GRCh37 (hg19) VCF-style: chr19-1106615-T-C.
Other names: c.660T>C, p.Leu220= (NM_001039847.3); c.*44T>C (NM_001039848.4, NM_001367832.1).
Identifiers: ClinVar variation 1268862 (VCV001268862.3), dbSNP rs713041, ClinGen allele CA9037552.
Genomic context (GRCh38, chr19:1,106,616, plus strand): 5'-TGCCCCACTATTTCTAGCTCCACAAGTGTGTGGCCCCGCCCGAGCCCCTGCCCACGCCCT[T>C]GGAGCCTTCCACCGGCACTCATGACGGCCTGCCTGCAAACCTGCTGGTGGGGCAGACCCG-3'

ClinVar aggregate classification (germline): Benign. Review status: criteria provided, multiple submitters, no conflicts (2 of 4 stars). 3 submissions from 3 submitters: Benign (3). Last evaluated 2024-11-28.

Allele frequency attached by ClinVar (database versions not stated): ESP Exome Variant Server 0.59202; 1000 Genomes Project 0.59904; 1000 Genomes Project 30x 0.60228; gnomAD 0.60317 and 0.60751; TOPMed 0.60560.

Submissions (3):

Blueprint Genetics
Classification: Benign. Last evaluated: 2024-11-28. Review status: criteria provided, single submitter. Criteria: ACMG Guidelines, 2015. Collection method: clinical testing. Allele origin: germline.

GeneDx
Classification: Benign. Last evaluated: 2018-11-12. Review status: criteria provided, single submitter. Criteria: GeneDx Variant Classification Process June 2021. Collection method: clinical testing. Allele origin: germline. Affected: yes.
Comment: This variant is associated with the following publications: (PMID: 12490284, 21459128, 18400727)

Breakthrough Genomics
Classification: Benign. Review status: criteria provided, single submitter. Criteria: ACMG Guidelines, 2015. Collection method: not provided. Allele origin: germline. Inheritance: Autosomal recessive inheritance. Affected: yes.